The following is an entry in ClinVar:

NM_173660.5(DOK7):c.1083C>G (p.Asp361Glu)

Gene: DOK7 (docking protein 7; plus strand). Cytogenetic location: 4p16.3.
Variant type: single nucleotide variant.
Coding change: c.1083C>G on transcript NM_173660.5 (MANE Select); coding-DNA position 1083, C replaced by G.
Protein change: p.Asp361Glu; replaces aspartic acid 361 with glutamic acid.
Molecular consequence: missense variant. On other transcripts: 3 prime UTR variant (1).
Genome position (GRCh38, 1-based): chr4:3,493,069, C>G. VCF-style: chr4-3493069-C-G. GRCh37 (hg19) VCF-style: chr4-3494796-C-G.
Other names: c.*304C>G (NM_001164673.2); c.153C>G, p.Asp51Glu (NM_001256896.2); c.1083C>G, p.Asp361Glu (NM_001301071.2); c.651C>G, p.Asp217Glu (NM_001363811.2); short protein forms D51E, D361E, D217E.
Identifiers: ClinVar variation 1985552 (VCV001985552.2), dbSNP rs554026540, ClinGen allele CA2829353.

ClinVar aggregate classification (germline): Uncertain significance (1 of 4 stars; one submission).

Conditions:
Congenital myasthenic syndrome 10. Also called: Myasthenia, limb-girdle, familial. Identifiers: Orphanet 590, MedGen C1850792, MONDO:0009690, OMIM 254300.
Fetal akinesia deformation sequence 1 (FADS1). Also called: Fetal akinesia sequence; Pena-Shokeir syndrome type I. Identifiers: Orphanet 994, MedGen C1276035, MONDO:0100101, OMIM 208150, HP:0001989.

Allele frequency attached by ClinVar (database versions not stated): 1000 Genomes Project 0.00020; 1000 Genomes Project 30x 0.00031.
gnomAD v4.1: 1 of 1,575,510 alleles (0.000063%); highest among the groups gnomAD compares: East Asian, 0.0023%; no homozygotes.

Submission:

Labcorp Genetics (formerly Invitae), Labcorp
Classification: Uncertain significance for Congenital myasthenic syndrome 10; Fetal akinesia deformation sequence 1. Last evaluated: 2022-06-14. Review status: criteria provided, single submitter. Criteria: Invitae Variant Classification Sherloc (09022015). Collection method: clinical testing. Allele origin: germline.
Comment: In summary, the available evidence is currently insufficient to determine the role of this variant in disease. Therefore, it has been classified as a Variant of Uncertain Significance. Algorithms developed to predict the effect of missense changes on protein structure and function are either unavailable or do not agree on the potential impact of this missense change (SIFT: "Deleterious"; PolyPhen-2: "Probably Damaging"; Align-GVGD: "Class C0"). This variant has not been reported in the literature in individuals affected with DOK7-related conditions. This variant is present in population databases (rs554026540, gnomAD 0.007%). This sequence change replaces aspartic acid, which is acidic and polar, with glutamic acid, which is acidic and polar, at codon 361 of the DOK7 protein (p.Asp361Glu).